The following is an entry in ClinVar:

NM_004588.5(SCN2B):c.241C>T (p.Leu81Phe)

Gene: SCN2B (sodium voltage-gated channel beta subunit 2; minus strand). Cytogenetic location: 11q23.3.
Variant type: single nucleotide variant.
Coding change: c.241C>T on transcript NM_004588.5 (MANE Select); coding-DNA position 241, C replaced by T.
Protein change: p.Leu81Phe; replaces leucine 81 with phenylalanine.
Molecular consequence: missense variant.
Genome position (GRCh38, 1-based): chr11:118,168,292, G>A on the plus strand (C>T on the coding strand, the complement: SCN2B is on the minus strand). VCF-style: chr11-118168292-G-A. GRCh37 (hg19) VCF-style: chr11-118039007-G-A.
Other names: short protein forms L81F.
Identifiers: ClinVar variation 2447544 (VCV002447544.3), dbSNP rs2497600958, ClinGen allele CA382785413.
Genomic context (GRCh38, chr11:118,168,292, plus strand): 5'-ACTCCACGCGGTCTTGAAACCGCTCCAGCTTCAGGTTAATGATCTTCATGCGGAACTGGA[G>A]GAACTGGGGTTGGAGCAAGGGACAGGATGGGTGGCTGGATGAGCAAGGAACTACAAGGAC-3'
Protein context (NP_004579.1, residues 71-91): ECNNCSEEMF[Leu81Phe]QFRMKIINLK

ClinVar aggregate classification (germline): Uncertain significance. Review status: criteria provided, multiple submitters, no conflicts (2 of 4 stars). 2 submissions from 2 submitters: Uncertain significance (2). Last evaluated 2026-01-14.

Conditions:
Atrial fibrillation, familial, 14 (ATFB14). Identifiers: MedGen C3809312, MONDO:0014156, OMIM 615378.
Cardiovascular phenotype. Identifiers: MedGen CN230736.

Allele frequency attached by ClinVar (database versions not stated): gnomAD exomes 0.00001.
gnomAD v4.1: 9 of 1,614,124 alleles (0.00056%); highest among the groups gnomAD compares: South Asian, 0.0011%; no homozygotes.

Submissions (2):

Labcorp Genetics (formerly Invitae), Labcorp
Classification: Uncertain significance for Atrial fibrillation, familial, 14. Last evaluated: 2026-01-14. Review status: criteria provided, single submitter. Criteria: Invitae Variant Classification Sherloc (09022015). Collection method: clinical testing. Allele origin: germline.
Comment: This sequence change replaces leucine, which is neutral and non-polar, with phenylalanine, which is neutral and non-polar, at codon 81 of the SCN2B protein (p.Leu81Phe). This variant is not present in population databases (gnomAD no frequency). This variant has not been reported in the literature in individuals affected with SCN2B-related conditions. ClinVar contains an entry for this variant (Variation ID: 2447544). An algorithm developed to predict the effect of missense changes on protein structure and function outputs the following: PolyPhen-2: "Benign". The phenylalanine amino acid residue is found in multiple mammalian species, which suggests that this missense change does not adversely affect protein function. In summary, the available evidence is currently insufficient to determine the role of this variant in disease. Therefore, it has been classified as a Variant of Uncertain Significance.

Ambry Genetics
Classification: Uncertain significance for Cardiovascular phenotype. Last evaluated: 2022-12-11. Review status: criteria provided, single submitter. Criteria: Ambry Variant Classification Scheme 2023. Collection method: clinical testing. Allele origin: germline.
Comment: The p.L81F variant (also known as c.241C>T), located in coding exon 3 of the SCN2B gene, results from a C to T substitution at nucleotide position 241. The leucine at codon 81 is replaced by phenylalanine, an amino acid with highly similar properties. This amino acid position is conserved. In addition, this alteration is predicted to be tolerated by in silico analysis. Since supporting evidence is limited at this time, the clinical significance of this alteration remains unclear.